The following is an entry in ClinVar:

ClinVar aggregate classification (germline): Uncertain significance (1 of 4 stars; one submission).

Conditions:
Inborn genetic diseases. Identifiers: MedGen C0950123, MeSH D030342.

gnomAD v4.1: 6 of 1,613,886 alleles (0.00037%); highest among the groups gnomAD compares: Admixed American, 0.0083%; no homozygotes.

Submission:

Ambry Genetics
Classification: Uncertain significance for Inborn genetic diseases. Last evaluated: 2024-12-13. Review status: criteria provided, single submitter. Criteria: Ambry Variant Classification Scheme 2023. Collection method: clinical testing. Allele origin: germline.
Comment: The p.G200R variant (also known as c.598G>C), located in coding exon 5 of the KRIT1 gene, results from a G to C substitution at nucleotide position 598. The glycine at codon 200 is replaced by arginine, an amino acid with dissimilar properties. This amino acid position is conserved. In addition, the in silico prediction for this alteration is inconclusive. Based on the available evidence, the clinical significance of this variant remains unclear.

NM_194454.3(KRIT1):c.598G>C (p.Gly200Arg)

Gene: KRIT1 (KRIT1 ankyrin repeat containing; minus strand). Cytogenetic location: 7q21.2.
Variant type: single nucleotide variant.
Coding change: c.598G>C on transcript NM_194454.3 (MANE Select); coding-DNA position 598, G replaced by C.
Protein change: p.Gly200Arg; replaces glycine 200 with arginine.
Molecular consequence: missense variant.
Genome position (GRCh38, 1-based): chr7:92,235,534, C>G on the plus strand (G>C on the coding strand, the complement: KRIT1 is on the minus strand). VCF-style: chr7-92235534-C-G. GRCh37 (hg19) VCF-style: chr7-91864848-C-G.
Other names: c.598G>C, p.Gly200Arg (NM_001013406.2, NM_001350669.1, NM_001350670.1 and 29 more transcripts); c.15G>C, p.Gln5His (NM_001350671.1); short protein forms G200R, Q5H.
Identifiers: ClinVar variation 3865348 (VCV003865348.1).